The following is an entry in ClinVar:

NC_000011.10:g.(?_112086902)_(112094975_?)del

Gene: SDHD (succinate dehydrogenase complex subunit D; plus strand). Cytogenetic location: 11q23.1.
Variant type: Deletion.
Identifiers: ClinVar variation 832458 (VCV000832458.1).

ClinVar aggregate classification (germline): Pathogenic (1 of 4 stars; one submission).

Conditions:
Pheochromocytoma. Also called: MAX-Related Hereditary Paraganglioma-Pheochromocytoma Syndrome. Identifiers: Orphanet 29072, MedGen C0031511, MONDO:0008233, OMIM 171300, HP:0002666.
Pheochromocytoma/paraganglioma syndrome 1. Also called: PARAGANGLIOMAS, FAMILIAL NONCHROMAFFIN, 1; PGL 1; Paragangliomas familial 1; Paragangliomas 1; PARAGANGLIOMATA; Paraganglioma - glomus jugulare. Identifiers: Orphanet 29072, MedGen C3494181, MONDO:0008192, OMIM 168000.
Carney-Stratakis syndrome. Also called: PARAGANGLIOMA AND GASTROINTESTINAL STROMAL TUMOR. Identifiers: Orphanet 97286, MedGen C1847319, MONDO:0011740, OMIM 606864.
Cowden syndrome 3 (CWS3). Identifiers: Orphanet 201, MedGen CN166604, MONDO:0014045.

Submission:

Labcorp Genetics (formerly Invitae), Labcorp
Classification: Pathogenic for Paraganglioma and gastric stromal sarcoma; Paragangliomas 1; Pheochromocytoma; Cowden syndrome 3. Last evaluated: 2019-12-09. Review status: criteria provided, single submitter. Criteria: Invitae Variant Classification Sherloc (09022015). Collection method: clinical testing. Allele origin: germline.
Comment: A gross deletion of the genomic region encompassing the full coding sequence of the SDHD gene has been identified. The boundaries of this event are unknown as the deletion extends beyond the assayed region for this gene and therefore may encompass additional genes. Whole gene deletion of SDHD has been reported to segregate with paraganglioma in a single family (PMID: 15531530). Loss-of-function variants in SDHD are known to be pathogenic (PMID: 19454582, 19802898). For these reasons, this variant has been classified as Pathogenic.

Literature cited by the submitters: PubMed 15531530.